The following is an entry in ClinVar:

NM_005654.6(NR2F1):c.32C>T (p.Pro11Leu)

Genes: NR2F1 (nuclear receptor subfamily 2 group F member 1; plus strand), NR2F1-AS1 (NR2F1 regulatory antisense RNA 1; minus strand). Cytogenetic location: 5q15.
Variant type: single nucleotide variant.
Coding change: c.32C>T on transcript NM_005654.6 (MANE Select); coding-DNA position 32, C replaced by T.
Protein change: p.Pro11Leu; replaces proline 11 with leucine.
Molecular consequence: missense variant.
Genome position (GRCh38, 1-based): chr5:93,585,055, C>T. VCF-style: chr5-93585055-C-T. GRCh37 (hg19) VCF-style: chr5-92920761-C-T.
Other names: short protein forms P11L.
Identifiers: ClinVar variation 1380872 (VCV001380872.6), dbSNP rs1276892077, ClinGen allele CA360525379.

ClinVar aggregate classification (germline): Uncertain significance (1 of 4 stars; one submission).

Submission:

Labcorp Genetics (formerly Invitae), Labcorp
Classification: Uncertain significance. Last evaluated: 2025-03-17. Review status: criteria provided, single submitter. Criteria: Invitae Variant Classification Sherloc (09022015). Collection method: clinical testing. Allele origin: germline.
Comment: This sequence change replaces proline, which is neutral and non-polar, with leucine, which is neutral and non-polar, at codon 11 of the NR2F1 protein (p.Pro11Leu). This variant is not present in population databases (gnomAD no frequency). This variant has not been reported in the literature in individuals affected with NR2F1-related conditions. ClinVar contains an entry for this variant (Variation ID: 1380872). Invitae Evidence Modeling of protein sequence and biophysical properties (such as structural, functional, and spatial information, amino acid conservation, physicochemical variation, residue mobility, and thermodynamic stability) has been performed for this missense variant. However, the output from this modeling did not meet the statistical confidence thresholds required to predict the impact of this variant on NR2F1 protein function. In summary, the available evidence is currently insufficient to determine the role of this variant in disease. Therefore, it has been classified as a Variant of Uncertain Significance.